The following is an entry in ClinVar:

ClinVar aggregate classification (germline): Uncertain significance (1 of 4 stars; one submission).

Conditions:
Cystic fibrosis (CF). Also called: MUCOVISCIDOSIS. Identifiers: Orphanet 586, MedGen C0010674, MONDO:0009061, OMIM 219700. Disease mechanism: loss of function.

Submission:

Ambry Genetics
Classification: Uncertain significance for Cystic fibrosis. Last evaluated: 2025-10-28. Review status: criteria provided, single submitter. Criteria: Ambry Variant Classification Scheme 2023. Collection method: clinical testing. Allele origin: germline.
Comment: The p.M1157L variant (also known as c.3469A>C) is located in coding exon 22 of the CFTR gene. The methionine at codon 1157 is replaced by leucine, an amino acid with highly similar properties. This change occurs in the first base pair of coding exon 22. This amino acid position is conserved. In addition, this alteration is predicted to be deleterious by in silico analysis. Based on the available evidence, the clinical significance of this variant remains unclear.

NM_000492.4(CFTR):c.3469A>C (p.Met1157Leu)

Genes: CFTR (CF transmembrane conductance regulator; plus strand), CFTR-AS2 (CFTR antisense RNA 2; minus strand). Cytogenetic location: 7q31.2.
Variant type: single nucleotide variant.
Coding change: c.3469A>C on transcript NM_000492.4 (MANE Select); coding-DNA position 3469, A replaced by C.
Protein change: p.Met1157Leu; replaces methionine 1157 with leucine.
Molecular consequence: missense variant.
Genome position (GRCh38, 1-based): chr7:117,627,522, A>C. VCF-style: chr7-117627522-A-C. GRCh37 (hg19) VCF-style: chr7-117267576-A-C.
Other names: short protein forms M1157L.
Identifiers: ClinVar variation 4648922 (VCV004648922.1).